The following is an entry in ClinVar:

NM_001323289.2(CDKL5):c.93A>G (p.Arg31=)

Gene: CDKL5 (cyclin dependent kinase like 5; plus strand). Cytogenetic location: Xp22.13.
Variant type: single nucleotide variant.
Coding change: c.93A>G on transcript NM_001323289.2 (MANE Select); coding-DNA position 93, A replaced by G.
Protein change: p.Arg31=; no amino-acid change (arginine 31 retained).
Molecular consequence: synonymous variant.
Genome position (GRCh38, 1-based): chrX:18,510,848, A>G. VCF-style: chrX-18510848-A-G. GRCh37 (hg19) VCF-style: chrX-18528968-A-G.
Other names: NM_001323289.2(CDKL5):c.93A>G; p.Arg31=; c.93A>G, p.Arg31= (NM_001037343.2, NM_003159.3).
Identifiers: ClinVar variation 94115 (VCV000094115.59), dbSNP rs140332992, ClinGen allele CA171658.
Genomic context (GRCh38, chrX:18,510,848, plus strand): 5'-TGCCCTTGATTGTTTACTTCTTTTTATTATAGGAGCCTATGGAGTTGTACTTAAATGCAG[A>G]CACAAGGCAAGTACATTATTTTTAAAAAGAAATATCTGTATATGTTTAACTGTTTTGAAA-3'
Protein context (NP_001310218.1, residues 21-41): EGAYGVVLKC[Arg31=]HKETHEIVAI

ClinVar aggregate classification (germline): Likely benign. Review status: reviewed by expert panel (3 of 4 stars). 8 submissions from 8 submitters: Likely benign (1). 7 of the submissions do not count toward it. Last evaluated 2022-09-01.

Conditions:
CDKL5 disorder. Identifiers: MedGen CN296942, MONDO:0100039.
History of neurodevelopmental disorder. Identifiers: MedGen C2711754.
Developmental and epileptic encephalopathy, 2 (DEE2). Also called: INFANTILE SPASM SYNDROME, X-LINKED 2; CDKL5 deficiency disorder. Identifiers: Orphanet 1934, Orphanet 3451, Orphanet 505652, MedGen C4750718, MONDO:0010396, OMIM 300672.
Angelman syndrome-like. Identifiers: MedGen CN128785.

Allele frequency attached by ClinVar (database versions not stated): gnomAD exomes 0.00002; ExAC 0.00003; gnomAD 0.00004 and 0.00005; TOPMed 0.00005; ESP Exome Variant Server 0.00009.
gnomAD v4.1: 30 of 1,168,821 alleles (0.0026%); highest among the groups gnomAD compares: Middle Eastern, 0.071%; no homozygotes.

Submissions (8):

ClinGen Rett and Angelman-like Disorders Variant Curation Expert Panel
Classification: Likely benign for CDKL5 disorder. Last evaluated: 2022-09-01. Review status: reviewed by expert panel. Criteria: ClinGen RettAS ACMG Specifications V2. Collection method: curation. Allele origin: germline. Inheritance: X-linked inheritance.
Comment: The p.Arg31= variant in CDKL5 is present in 3 female and 2 male individuals in gnomAD (0.002%) (not sufficient to meet BS1 criteria). The p.Arg31= variant is observed in at least 2 unaffected individuals (internal database) (BS2). The silent p.Arg31= variant is not predicted to affect splicing using multiple computational tools and does not affect a highly conserved nucleotide (BP7). In summary, the p.Arg31= variant in CDKL5 is classified as likely benign based on the ACMG/AMP criteria (BS2, BP7).

Labcorp Genetics (formerly Invitae), Labcorp
Classification: Benign for Developmental and epileptic encephalopathy, 2; Angelman syndrome-like. Last evaluated: 2026-01-21. Review status: criteria provided, single submitter. Criteria: Invitae Variant Classification Sherloc (09022015). Collection method: clinical testing. Allele origin: germline. Not counted in ClinVar's aggregate classification.

CeGaT Center for Human Genetics Tuebingen
Classification: Likely benign. Last evaluated: 2025-04-01. Review status: criteria provided, single submitter. Criteria: CeGaT Center For Human Genetics Tuebingen Variant Classification Criteria Version 2. Collection method: clinical testing. Allele origin: germline. Affected: yes. Observed: 4 variant alleles. Not counted in ClinVar's aggregate classification.
Comment: CDKL5: BP4, BP7, BS2

Blueprint Genetics
Classification: Likely benign. Last evaluated: 2024-03-11. Review status: criteria provided, single submitter. Criteria: ACMG Guidelines, 2015. Collection method: clinical testing. Allele origin: germline. Not counted in ClinVar's aggregate classification.

GeneDx
Classification: Likely benign. Last evaluated: 2020-06-19. Review status: criteria provided, single submitter. Criteria: GeneDx Variant Classification Process June 2021. Collection method: clinical testing. Allele origin: germline. Affected: yes. Not counted in ClinVar's aggregate classification.

Ambry Genetics
Classification: Likely benign for History of neurodevelopmental disorder. Last evaluated: 2017-01-16. Review status: criteria provided, single submitter. Criteria: Ambry Autosomal Dominant and X-Linked criteria (10/2015). Collection method: clinical testing. Allele origin: germline. Observed: 1 variant allele. Not counted in ClinVar's aggregate classification.
Comment: In silico models in agreement (benign);Synonymous alterations with insufficient evidence to classify as benign

Genetic Services Laboratory, University of Chicago
Classification: Uncertain significance. Last evaluated: 2015-08-10. Review status: criteria provided, single submitter. Criteria: ACMG Guidelines, 2015. Collection method: clinical testing. Allele origin: germline. Not counted in ClinVar's aggregate classification.

Eurofins Ntd Llc (ga)
Classification: Uncertain significance. Last evaluated: 2015-03-10. Review status: criteria provided, single submitter. Criteria: EGL Classification Definitions 2015. Collection method: clinical testing. Allele origin: germline. Observed: 1 variant allele, 1 hemizygote. Not counted in ClinVar's aggregate classification.